The following is an entry in ClinVar:

NM_005751.5(AKAP9):c.10706G>C (p.Gly3569Ala)

Gene: AKAP9 (A-kinase anchoring protein 9; plus strand). Cytogenetic location: 7q21.2.
Variant type: single nucleotide variant.
Coding change: c.10706G>C on transcript NM_005751.5 (MANE Select); coding-DNA position 10706, G replaced by C.
Protein change: p.Gly3569Ala; replaces glycine 3569 with alanine.
Molecular consequence: missense variant.
Genome position (GRCh38, 1-based): chr7:92,098,207, G>C. VCF-style: chr7-92098207-G-C. GRCh37 (hg19) VCF-style: chr7-91727521-G-C.
Other names: c.10706G>C (NM_005751.4); c.5351G>C, p.Gly1784Ala (NM_001379277.1); c.10682G>C, p.Gly3561Ala (NM_147185.3); short protein forms G1784A, G3561A, G3569A.
Identifiers: ClinVar variation 1025154 (VCV001025154.10), dbSNP rs754569380, ClinGen allele CA4338001.
Genomic context (GRCh38, chr7:92,098,207, plus strand): 5'-GGGTTCAGGAAAATATTGATGAAATTATTTTACAACTACAGAAATTAACTGGCCAGCAAG[G>C]TGAAGAGGTAATACTTTTTAAAAGTTATTTCTGAAGCATTGAGAGCAAAGATTTAATAGA-3'
Protein context (NP_005742.4, residues 3559-3579): LQLQKLTGQQ[Gly3569Ala]EEPSLVSPST

ClinVar aggregate classification (germline): Uncertain significance. Review status: criteria provided, multiple submitters, no conflicts (2 of 4 stars). 2 submissions from 2 submitters: Uncertain significance (2). Last evaluated 2024-02-26.

Conditions:
Long QT syndrome (LQTS). Identifiers: MedGen C0023976, MeSH D008133, MONDO:0002442. Disease mechanism: loss of function. Inheritance: Various modes of inheritance.
Cardiovascular phenotype. Identifiers: MedGen CN230736.

Allele frequency attached by ClinVar (database versions not stated): ExAC 0.00001; TOPMed 0.00001.
gnomAD v4.1: 23 of 1,592,900 alleles (0.0014%); highest among the groups gnomAD compares: Non-Finnish European, 0.0019%; no homozygotes.

Submissions (2):

Ambry Genetics
Classification: Uncertain significance for Cardiovascular phenotype. Last evaluated: 2024-02-26. Review status: criteria provided, single submitter. Criteria: Ambry Variant Classification Scheme 2023. Collection method: clinical testing. Allele origin: germline.
Comment: The p.G3569A variant (also known as c.10706G>C), located in coding exon 43 of the AKAP9 gene, results from a G to C substitution at nucleotide position 10706. The glycine at codon 3569 is replaced by alanine, an amino acid with similar properties. This amino acid position is conserved. In addition, this alteration is predicted to be tolerated by in silico analysis. Based on the available evidence, the clinical significance of this alteration remains unclear.

Labcorp Genetics (formerly Invitae), Labcorp
Classification: Uncertain significance for Long QT syndrome. Last evaluated: 2020-03-25. Review status: criteria provided, single submitter. Criteria: Invitae Variant Classification Sherloc (09022015). Collection method: clinical testing. Allele origin: germline.
Comment: In summary, the available evidence is currently insufficient to determine the role of this variant in disease. Therefore, it has been classified as a Variant of Uncertain Significance. Algorithms developed to predict the effect of missense changes on protein structure and function (SIFT, PolyPhen-2, Align-GVGD) all suggest that this variant is likely to be tolerated, but these predictions have not been confirmed by published functional studies and their clinical significance is uncertain. This variant has not been reported in the literature in individuals with AKAP9-related conditions. This variant is present in population databases (rs754569380, ExAC 0.002%). This sequence change replaces glycine with alanine at codon 3569 of the AKAP9 protein (p.Gly3569Ala). The glycine residue is moderately conserved and there is a small physicochemical difference between glycine and alanine.